The following is an entry in ClinVar:

ClinVar aggregate classification (germline): Likely benign (1 of 4 stars; one submission).

Allele frequency attached by ClinVar (database versions not stated): ExAC below 0.00001; gnomAD exomes below 0.00001; gnomAD 0.00001.
gnomAD v4.1: 5 of 1,551,866 alleles (0.00032%); highest among the groups gnomAD compares: African/African-American, 0.0014%; no homozygotes.

Submission:

GeneDx
Classification: Likely benign. Last evaluated: 2017-09-06. Review status: criteria provided, single submitter. Criteria: GeneDx Variant Classification (06012015). Collection method: clinical testing. Allele origin: germline. Affected: yes.
Comment: This variant is considered likely benign or benign based on one or more of the following criteria: it is a conservative change, it occurs at a poorly conserved position in the protein, it is predicted to be benign by multiple in silico algorithms, and/or has population frequency not consistent with disease.

NM_004519.4(KCNQ3):c.1005C>A (p.Thr335=)

Gene: KCNQ3 (potassium voltage-gated channel subfamily Q member 3; minus strand). Cytogenetic location: 8q24.22.
Variant type: single nucleotide variant.
Coding change: c.1005C>A on transcript NM_004519.4 (MANE Select); coding-DNA position 1005, C replaced by A.
Protein change: p.Thr335=; no amino-acid change (threonine 335 retained).
Molecular consequence: synonymous variant.
Genome position (GRCh38, 1-based): chr8:132,174,278, G>T on the plus strand (C>A on the coding strand, the complement: KCNQ3 is on the minus strand). VCF-style: chr8-132174278-G-T. GRCh37 (hg19) VCF-style: chr8-133186525-G-T.
Other names: c.645C>A, p.Thr215= (NM_001204824.2).
Identifiers: ClinVar variation 511903 (VCV000511903.1), dbSNP rs758511572, ClinGen allele CA4880802.